The following is an entry in ClinVar:

NM_017780.4(CHD7):c.8620G>T (p.Val2874Phe)

Gene: CHD7 (chromodomain helicase DNA binding protein 7; plus strand). Cytogenetic location: 8q12.2.
Variant type: single nucleotide variant.
Coding change: c.8620G>T on transcript NM_017780.4 (MANE Select); coding-DNA position 8620, G replaced by T.
Protein change: p.Val2874Phe; replaces valine 2874 with phenylalanine.
Molecular consequence: missense variant.
Genome position (GRCh38, 1-based): chr8:60,865,559, G>T. VCF-style: chr8-60865559-G-T. GRCh37 (hg19) VCF-style: chr8-61778118-G-T.
Other names: c.2473G>T, p.Val825Phe (NM_001316690.1); short protein forms V2874F, V825F.
Identifiers: ClinVar variation 1936666 (VCV001936666.6), dbSNP rs746986165, ClinGen allele CA4761042.
Genomic context (GRCh38, chr8:60,865,559, plus strand): 5'-AACAAAGACTCTGAGAAAAGCACAGATGCTGTTTCGGCTGCTGACTCTGCGAATGGATCT[G>T]TTGGTGCTGCTACTGCCCCGGCTGGATTGCCCTCAAACCCGCTAGCCTTCAACCCTTTCC-3'
Protein context (NP_060250.2, residues 2864-2884): VSAADSANGS[Val2874Phe]GAATAPAGLP

ClinVar aggregate classification (germline): Conflicting classifications of pathogenicity. Review status: criteria provided, conflicting classifications (1 of 4 stars). 2 submissions from 2 submitters: Uncertain significance (1); Likely benign (1). Last evaluated 2026-01-05.

Conditions:
CHARGE syndrome (CHARGE). Also called: Hittner Hirsch Kreh syndrome; CHARGE ASSOCIATION--COLOBOMA, HEART ANOMALY, CHOANAL ATRESIA, RETARDATION, GENITAL AND EAR ANOMALIES; Coloboma, heart anomaly, choanal atresia, retardation, genital and ear anomalies; CHARGE association; Hall-Hittner syndrome. Identifiers: Orphanet 138, MedGen C0265354, MONDO:0008965.
Inborn genetic diseases. Identifiers: MedGen C0950123, MeSH D030342.

Allele frequency attached by ClinVar (database versions not stated): gnomAD exomes below 0.00001; ExAC 0.00001.
gnomAD v4.1: 1 of 1,614,084 alleles (0.000062%); highest among the groups gnomAD compares: Admixed American, 0.0017%; no homozygotes.

Submissions (2):

Labcorp Genetics (formerly Invitae), Labcorp
Classification: Likely benign for CHARGE syndrome. Last evaluated: 2026-01-05. Review status: criteria provided, single submitter. Criteria: Invitae Variant Classification Sherloc (09022015). Collection method: clinical testing. Allele origin: germline.

Ambry Genetics
Classification: Uncertain significance for Inborn genetic diseases. Last evaluated: 2020-11-30. Review status: criteria provided, single submitter. Criteria: Ambry Variant Classification Scheme 2023. Collection method: clinical testing. Allele origin: germline.
Comment: The c.8620G>T (p.V2874F) alteration is located in exon 38 (coding exon 37) of the CHD7 gene. This alteration results from a G to T substitution at nucleotide position 8620, causing the valine (V) at amino acid position 2874 to be replaced by a phenylalanine (F). The p.V2874F alteration is predicted to be tolerated by in silico analysis. Based on insufficient or conflicting evidence, the clinical significance of this alteration remains unclear.